The following is an entry in ClinVar:

ClinVar aggregate classification (germline): Uncertain significance. Review status: criteria provided, multiple submitters, no conflicts (2 of 4 stars). 2 submissions from 2 submitters: Uncertain significance (2). Last evaluated 2025-03-09.

Conditions:
Hypertrophic cardiomyopathy 1 (CMH1). Also called: Familial hypertrophic cardiomyopathy 1; MYH7-Related Familial Hypertrophic Cardiomyopathy. Identifiers: MedGen C3495498, MONDO:0008647, OMIM 192600.

Allele frequency attached by ClinVar (database versions not stated): TOPMed below 0.00001.

Submissions (2):

Labcorp Genetics (formerly Invitae), Labcorp
Classification: Uncertain significance for Hypertrophic cardiomyopathy 1. Last evaluated: 2025-03-09. Review status: criteria provided, single submitter. Criteria: Invitae Variant Classification Sherloc (09022015). Collection method: clinical testing. Allele origin: germline.
Comment: This sequence change replaces arginine, which is basic and polar, with serine, which is neutral and polar, at codon 388 of the MYLK2 protein (p.Arg388Ser). This variant is not present in population databases (gnomAD no frequency). This variant has not been reported in the literature in individuals affected with MYLK2-related conditions. ClinVar contains an entry for this variant (Variation ID: 1708653). Invitae Evidence Modeling of protein sequence and biophysical properties (such as structural, functional, and spatial information, amino acid conservation, physicochemical variation, residue mobility, and thermodynamic stability) indicates that this missense variant is expected to disrupt MYLK2 protein function with a positive predictive value of 80%. In summary, the available evidence is currently insufficient to determine the role of this variant in disease. Therefore, it has been classified as a Variant of Uncertain Significance.

GeneDx
Classification: Uncertain significance. Last evaluated: 2022-04-08. Review status: criteria provided, single submitter. Criteria: GeneDx Variant Classification Process June 2021. Collection method: clinical testing. Allele origin: germline. Affected: yes.
Comment: Has not been previously published as pathogenic or benign to our knowledge; Not observed at significant frequency in large population cohorts (gnomAD); In silico analysis supports that this missense variant has a deleterious effect on protein structure/function

NM_033118.4(MYLK2):c.1164G>C (p.Arg388Ser)

Gene: MYLK2 (myosin light chain kinase 2; plus strand). Cytogenetic location: 20q11.21.
Variant type: single nucleotide variant.
Coding change: c.1164G>C on transcript NM_033118.4 (MANE Select); coding-DNA position 1164, G replaced by C.
Protein change: p.Arg388Ser; replaces arginine 388 with serine.
Molecular consequence: missense variant.
Genome position (GRCh38, 1-based): chr20:31,826,878, G>C. VCF-style: chr20-31826878-G-C. GRCh37 (hg19) VCF-style: chr20-30414681-G-C.
Other names: short protein forms R388S.
Identifiers: ClinVar variation 1708653 (VCV001708653.3), dbSNP rs779206286, ClinGen allele CA408527246.